The following is an entry in ClinVar:

NM_080916.3(DGUOK):c.20_23del (p.Leu6_Phe7insTer)

Genes: DGUOK (deoxyguanosine kinase; plus strand), LOC129934096 (ATAC-STARR-seq lymphoblastoid active region 16036; plus strand). Cytogenetic location: 2p13.1.
Variant type: Deletion.
Coding change: c.20_23del on transcript NM_080916.3 (MANE Select); coding-DNA positions 20 to 23, 4 bases deleted (TTCT; older notation c.20_23delTTCT).
Protein change: p.Leu6_Phe7insTer.
Molecular consequence: nonsense. On other transcripts: 5 prime UTR variant (4), non-coding transcript variant (6).
Genome position (GRCh38, 1-based): chr2:73,926,930-73,926,933, TTCT deleted; deleting any 4 consecutive bases within chr2:73,926,927-73,926,933 gives the same sequence; the c. name uses the placement nearest the transcript's 3' end. VCF-style (leftmost placement, unchanged base first): chr2-73926926-CTCTT-C. GRCh37 (hg19) VCF-style: chr2-74154053-CTCTT-C.
Other names: c.20_23del, p.Leu6_Phe7insTer (NM_001318859.2, NM_080918.3); c.-159_-156del (NM_001318860.2, NM_001318863.2); c.-245_-242del (NM_001318861.2, NM_001318862.2).
Identifiers: ClinVar variation 2734236 (VCV002734236.3), dbSNP rs1680630376, ClinGen allele CA1032227319.
Genomic context (GRCh38, chr2:73,926,926, plus strand): 5'-GAAGTGCTCTCGGCGGAAGTGATCGCTGTGTGAATCGTGGGTGGGATGGCCGCGGGCCGC[CTCTT>C]TCTAAGTCGGCTTCGAGCACCCTTCAGTTCCATGGCCAAGAGCCCACTCGAGGGCGTTTC-3'

ClinVar aggregate classification (germline): Pathogenic (1 of 4 stars; one submission).

Submission:

Labcorp Genetics (formerly Invitae), Labcorp
Classification: Pathogenic. Last evaluated: 2024-04-16. Review status: criteria provided, single submitter. Criteria: Invitae Variant Classification Sherloc (09022015). Collection method: clinical testing. Allele origin: germline.
Comment: This sequence change creates a premature translational stop signal (p.Phe7*) in the DGUOK gene. It is expected to result in an absent or disrupted protein product. Loss-of-function variants in DGUOK are known to be pathogenic (PMID: 18205204). This variant is not present in population databases (gnomAD no frequency). This premature translational stop signal has been observed in individual(s) with mitochondrial DNA depletion syndrome (PMID: 19748572). For these reasons, this variant has been classified as Pathogenic.

Literature cited by the submitters: PubMed 18205204; PubMed 19748572.